The following is an entry in ClinVar:

NM_001374736.1(DST):c.11666A>G (p.Glu3889Gly)

Gene: DST (dystonin; minus strand). Cytogenetic location: 6p12.1.
Variant type: single nucleotide variant.
Coding change: c.11666A>G on transcript NM_001374736.1 (MANE Select); coding-DNA position 11666, A replaced by G.
Protein change: p.Glu3889Gly; replaces glutamic acid 3889 with glycine.
Molecular consequence: missense variant.
Genome position (GRCh38, 1-based): chr6:56,600,097, T>C on the plus strand (A>G on the coding strand, the complement: DST is on the minus strand). VCF-style: chr6-56600097-T-C. GRCh37 (hg19) VCF-style: chr6-56464895-T-C.
Other names: c.5309A>G, p.Glu1770Gly (NM_001144769.5); c.4895A>G, p.Glu1632Gly (NM_001144770.2); c.11666A>G, p.Glu3889Gly (NM_001374722.1); c.11033A>G, p.Glu3678Gly (NM_001374729.1); c.4775A>G, p.Glu1592Gly (NM_001374730.1, NM_001386100.1, NM_183380.4); c.11693A>G, p.Glu3898Gly (NM_001374734.1); c.3797A>G, p.Glu1266Gly (NM_015548.5); short protein forms E1266G, E1632G, E3889G, E1770G, E3678G, E1592G, E3898G.
Identifiers: ClinVar variation 2153871 (VCV002153871.2), dbSNP rs2536281015, ClinGen allele CA364529505.

ClinVar aggregate classification (germline): Uncertain significance (1 of 4 stars; one submission).

Conditions:
Hereditary sensory and autonomic neuropathy type 6. Also called: HSAN VI; Neuropathy, hereditary sensory and autonomic, type VI. Identifiers: Orphanet 314381, MedGen C3539003, MONDO:0013839, OMIM 614653.
Epidermolysis bullosa simplex 3, localized or generalized intermediate, with BP230 deficiency (EBS3). Also called: Epidermolysis bullosa simplex due to BP230 deficiency; Epidermolysis bullosa simplex, autosomal recessive 2. Identifiers: Orphanet 412181, MedGen C3809470, MONDO:0014180, OMIM 615425.

Allele frequency attached by ClinVar (database versions not stated): gnomAD exomes below 0.00001.
gnomAD v4.1: 1 of 1,612,604 alleles (0.000062%); highest among the groups gnomAD compares: Non-Finnish European, 0.000085%; no homozygotes.

Submission:

Labcorp Genetics (formerly Invitae), Labcorp
Classification: Uncertain significance for Epidermolysis bullosa simplex 3, localized or generalized intermediate, with BP230 deficiency; Hereditary sensory and autonomic neuropathy type 6. Last evaluated: 2022-04-11. Review status: criteria provided, single submitter. Criteria: Invitae Variant Classification Sherloc (09022015). Collection method: clinical testing. Allele origin: germline.
Comment: The DST gene has multiple clinically relevant transcripts. This variant occurs in alternate transcript NM_015548.4, and corresponds to NM_001723.5:c.*15420A>G in the primary transcript. This sequence change replaces glutamic acid, which is acidic and polar, with glycine, which is neutral and non-polar, at codon 1266 of the DST protein (p.Glu1266Gly). This variant is not present in population databases (gnomAD no frequency). This variant has not been reported in the literature in individuals affected with DST-related conditions. Experimental studies and prediction algorithms are not available or were not evaluated, and the functional significance of this variant is currently unknown. In summary, the available evidence is currently insufficient to determine the role of this variant in disease. Therefore, it has been classified as a Variant of Uncertain Significance.